The following is an entry in ClinVar:

NM_002471.4(MYH6):c.5050C>T (p.Gln1684Ter)

Genes: MYH6 (myosin heavy chain 6; minus strand), LOC126861896 (BRD4-independent group 4 enhancer GRCh37_chr14:23854904-23856103; plus strand). Cytogenetic location: 14q11.2.
Variant type: single nucleotide variant.
Coding change: c.5050C>T on transcript NM_002471.4 (MANE Select); coding-DNA position 5050, C replaced by T.
Protein change: p.Gln1684Ter; replaces glutamine 1684 with a stop codon.
Molecular consequence: nonsense.
Genome position (GRCh38, 1-based): chr14:23,386,041, G>A on the plus strand (C>T on the coding strand, the complement: MYH6 is on the minus strand). VCF-style: chr14-23386041-G-A. GRCh37 (hg19) VCF-style: chr14-23855250-G-A.
Other names: short protein forms Q1684*.
Identifiers: ClinVar variation 1184879 (VCV001184879.4), dbSNP rs1849911056, ClinGen allele CA388990054.
Genomic context (GRCh38, chr14:23,386,041, plus strand): 5'-CCAGCTTCCGGGACCGCTCTGTCTGCTCCACCACGGCACGCAGCTCCTCCAGCTCAGCCT[G>A]CAGCAGGTTGTTGCGCCGCTCCACGATGGCGATGTTCTCCTTCAGGTCGTCGTTGGCACG-3'

ClinVar aggregate classification (germline): Conflicting classifications of pathogenicity. Review status: criteria provided, conflicting classifications (1 of 4 stars). 2 submissions from 2 submitters: Likely pathogenic (1); Uncertain significance (1). Last evaluated 2021-06-17.

Conditions:
Cardiovascular phenotype. Identifiers: MedGen CN230736.

Submissions (2):

Institute of Medical Genetics and Applied Genomics, University Hospital Tübingen
Classification: Likely pathogenic. Last evaluated: 2021-06-17. Review status: criteria provided, single submitter. Criteria: ACMG Guidelines, 2015. Collection method: clinical testing. Allele origin: germline. Inheritance: Autosomal dominant inheritance. Affected: yes.

Ambry Genetics
Classification: Uncertain significance for Cardiovascular phenotype. Last evaluated: 2021-01-14. Review status: criteria provided, single submitter. Criteria: Ambry Variant Classification Scheme 2023. Collection method: clinical testing. Allele origin: germline.
Comment: The p.Q1684* variant (also known as c.5050C>T), located in coding exon 32 of the MYH6 gene, results from a C to T substitution at nucleotide position 5050. This changes the amino acid from a glutamine to a stop codon within coding exon 32. This alteration is expected to result in premature protein truncation or nonsense-mediated mRNA decay. However, loss of function of MYH6 has not been clearly established as a mechanism of disease. Since supporting evidence is limited at this time, the clinical significance of this alteration remains unclear.